The following is an entry in ClinVar:

NM_000245.4(MET):c.291A>G (p.Pro97=)

Gene: MET (MET proto-oncogene, receptor tyrosine kinase; plus strand). Cytogenetic location: 7q31.2.
Variant type: single nucleotide variant.
Coding change: c.291A>G on transcript NM_000245.4 (MANE Select); coding-DNA position 291, A replaced by G.
Protein change: p.Pro97=; no amino-acid change (proline 97 retained).
Molecular consequence: synonymous variant. On other transcripts: intron variant (1).
Genome position (GRCh38, 1-based): chr7:116,699,375, A>G. VCF-style: chr7-116699375-A-G. GRCh37 (hg19) VCF-style: chr7-116339429-A-G.
Other names: c.291A>G, p.Pro97= (NM_001127500.3, NM_001324401.3); c.-91+26798A>G (NM_001324402.2).
Identifiers: ClinVar variation 730546 (VCV000730546.14), dbSNP rs1584876383, ClinGen allele CA457448039.
Genomic context (GRCh38, chr7:116,699,375, plus strand): 5'-CCTTCAGAAGGTTGCTGAGTACAAGACTGGGCCTGTGCTGGAACACCCAGATTGTTTCCC[A>G]TGTCAGGACTGCAGCAGCAAAGCCAATTTATCAGGAGGTGTTTGGAAAGATAACATCAAC-3'
Protein context (NP_000236.2, residues 87-107): GPVLEHPDCF[Pro97=]CQDCSSKANL

ClinVar aggregate classification (germline): Benign/Likely benign. Review status: criteria provided, multiple submitters, no conflicts (2 of 4 stars). 3 submissions from 3 submitters: Benign (1); Likely benign (2). Last evaluated 2024-11-06.

Conditions:
Renal cell carcinoma. Identifiers: Orphanet 217071, MedGen C0007134, MeSH D002292, MONDO:0005086, HP:0005584.
Papillary renal cell carcinoma type 1 (RCCP1). Also called: Renal adenocarcinoma; Renal cell carcinoma 1; Renal cell carcinoma, somatic; RENAL CELL CARCINOMA, PAPILLARY, 1, SOMATIC. Identifiers: Orphanet 47044, MedGen C1336839, OMIM 605074, HP:0011797.
Hereditary cancer-predisposing syndrome. Also called: Hereditary neoplastic syndrome; Tumor predisposition; Hereditary Cancer Syndrome; Neoplastic Syndromes, Hereditary. Identifiers: Orphanet 140162, MedGen C0027672, MeSH D009386, MONDO:0015356.

Allele frequency attached by ClinVar (database versions not stated): gnomAD exomes below 0.00001; gnomAD 0.00001; TOPMed 0.00001.
gnomAD v4.1: 4 of 1,613,930 alleles (0.00025%); highest among the groups gnomAD compares: African/African-American, 0.0027%; no homozygotes.

Submissions (3):

Myriad Genetics, Inc.
Classification: Benign for Papillary renal cell carcinoma type 1. Last evaluated: 2024-11-06. Review status: criteria provided, single submitter. Criteria: Myriad Autosomal Dominant, Autosomal Recessive and X-Linked Classification Criteria (2023). Collection method: clinical testing. Allele origin: unknown.
Comment: This variant is considered benign. This variant is a silent/synonymous amino acid change and it is not expected to impact splicing.

Labcorp Genetics (formerly Invitae), Labcorp
Classification: Likely benign for Renal cell carcinoma. Last evaluated: 2024-07-08. Review status: criteria provided, single submitter. Criteria: Invitae Variant Classification Sherloc (09022015). Collection method: clinical testing. Allele origin: germline.

Ambry Genetics
Classification: Likely benign for Hereditary cancer-predisposing syndrome. Last evaluated: 2018-11-29. Review status: criteria provided, single submitter. Criteria: Ambry Variant Classification Scheme 2023. Collection method: clinical testing. Allele origin: germline.